The following is an entry in ClinVar:

NM_001378120.1(MBD5):c.698G>A (p.Gly233Glu)

Gene: MBD5 (methyl-CpG binding domain protein 5; plus strand). Cytogenetic location: 2q23.1.
Variant type: single nucleotide variant.
Coding change: c.698G>A on transcript NM_001378120.1 (MANE Select); coding-DNA position 698, G replaced by A.
Protein change: p.Gly233Glu; replaces glycine 233 with glutamic acid.
Molecular consequence: missense variant.
Genome position (GRCh38, 1-based): chr2:148,468,641, G>A. VCF-style: chr2-148468641-G-A. GRCh37 (hg19) VCF-style: chr2-149226210-G-A.
Other names: c.698G>A, p.Gly233Glu (NM_018328.5); short protein forms G233E.
Identifiers: ClinVar variation 961367 (VCV000961367.10), dbSNP rs1680673882, ClinGen allele CA348717476.

ClinVar aggregate classification (germline): Uncertain significance (1 of 4 stars; one submission).

Conditions:
Intellectual developmental disorder, autosomal dominant 1. Also called: Intellectual disability, autosomal dominant 1; MBD5 Haploinsufficiency. Identifiers: Orphanet 228402, MedGen C1969562, MONDO:0007974, OMIM 156200.

Submission:

Labcorp Genetics (formerly Invitae), Labcorp
Classification: Uncertain significance for Intellectual developmental disorder, autosomal dominant 1. Last evaluated: 2022-02-10. Review status: criteria provided, single submitter. Criteria: Invitae Variant Classification Sherloc (09022015). Collection method: clinical testing. Allele origin: germline.
Comment: In summary, the available evidence is currently insufficient to determine the role of this variant in disease. Therefore, it has been classified as a Variant of Uncertain Significance. Algorithms developed to predict the effect of missense changes on protein structure and function (SIFT, PolyPhen-2, Align-GVGD) all suggest that this variant is likely to be disruptive. ClinVar contains an entry for this variant (Variation ID: 961367). This variant has not been reported in the literature in individuals affected with MBD5-related conditions. This variant is not present in population databases (gnomAD no frequency). This sequence change replaces glycine, which is neutral and non-polar, with glutamic acid, which is acidic and polar, at codon 233 of the MBD5 protein (p.Gly233Glu).